The following is an entry in ClinVar:

NM_002972.4(SBF1):c.4536C>T (p.Phe1512=)

Gene: SBF1 (SET binding factor 1; minus strand). Cytogenetic location: 22q13.33.
Variant type: single nucleotide variant.
Coding change: c.4536C>T on transcript NM_002972.4 (MANE Select); coding-DNA position 4536, C replaced by T.
Protein change: p.Phe1512=; no amino-acid change (phenylalanine 1512 retained).
Molecular consequence: synonymous variant.
Genome position (GRCh38, 1-based): chr22:50,455,242, G>A on the plus strand (C>T on the coding strand, the complement: SBF1 is on the minus strand). VCF-style: chr22-50455242-G-A. GRCh37 (hg19) VCF-style: chr22-50893671-G-A.
Other names: p.Phe1512=; c.4461C>T, p.Phe1487= (NM_001365819.1).
Identifiers: ClinVar variation 750791 (VCV000750791.27), dbSNP rs376706601, ClinGen allele CA10316232.

ClinVar aggregate classification (germline): Likely benign. Review status: criteria provided, multiple submitters, no conflicts (2 of 4 stars). 6 submissions from 6 submitters: Likely benign (6). Last evaluated 2026-06-10.

Allele frequency attached by ClinVar (database versions not stated): TOPMed 0.00020; ESP Exome Variant Server 0.00008; ExAC 0.00014; gnomAD 0.00015 and 0.00017.
gnomAD v4.1: 465 of 1,612,986 alleles (0.029%); highest among the groups gnomAD compares: Non-Finnish European, 0.036%; 2 homozygotes.

Submissions (6):

Women's Health and Genetics/Laboratory Corporation of America, LabCorp
Classification: Likely benign. Last evaluated: 2026-06-10. Review status: criteria provided, single submitter. Criteria: LabCorp Variant Classification Summary - May 2015. Collection method: clinical testing. Allele origin: germline.

Labcorp Genetics (formerly Invitae), Labcorp
Classification: Likely benign. Last evaluated: 2025-09-28. Review status: criteria provided, single submitter. Criteria: Invitae Variant Classification Sherloc (09022015). Collection method: clinical testing. Allele origin: germline.

CeGaT Center for Human Genetics Tuebingen
Classification: Likely benign. Last evaluated: 2024-12-01. Review status: criteria provided, single submitter. Criteria: CeGaT Center For Human Genetics Tuebingen Variant Classification Criteria Version 2. Collection method: clinical testing. Allele origin: germline. Affected: yes. Observed: 1 variant allele.
Comment: SBF1: BP4, BP7

Mayo Clinic Laboratories, Mayo Clinic
Classification: Likely benign. Last evaluated: 2024-10-22. Review status: criteria provided, single submitter. Criteria: ACMG Guidelines, 2015. Collection method: clinical testing. Allele origin: germline. Observed: 2 variant alleles.

Blueprint Genetics
Classification: Likely benign. Last evaluated: 2024-07-22. Review status: criteria provided, single submitter. Criteria: ACMG Guidelines, 2015. Collection method: clinical testing. Allele origin: germline.

GeneDx
Classification: Likely benign. Last evaluated: 2021-06-17. Review status: criteria provided, single submitter. Criteria: GeneDx Variant Classification Process June 2021. Collection method: clinical testing. Allele origin: germline. Affected: yes.